The following is an entry in ClinVar:

ClinVar aggregate classification (germline): Likely benign. Review status: criteria provided, multiple submitters, no conflicts (2 of 4 stars). 2 submissions from 2 submitters: Likely benign (2). Last evaluated 2026-06-01.

Allele frequency attached by ClinVar (database versions not stated): 1000 Genomes Project 30x 0.00062; 1000 Genomes Project 0.00080; TOPMed 0.00259; gnomAD 0.00296; ESP Exome Variant Server 0.00346.
gnomAD v4.1: 6,491 of 1,614,036 alleles (0.4%); highest among the groups gnomAD compares: Non-Finnish European, 0.48%; 17 homozygotes.

Submissions (2):

CeGaT Center for Human Genetics Tuebingen
Classification: Likely benign. Last evaluated: 2026-06-01. Review status: criteria provided, single submitter. Criteria: CeGaT Center For Human Genetics Tuebingen Variant Classification Criteria Version 2. Collection method: clinical testing. Allele origin: germline. Affected: yes. Observed: 4 variant alleles.
Comment: LRP12: BS2

Blueprint Genetics
Classification: Likely benign. Last evaluated: 2024-11-27. Review status: criteria provided, single submitter. Criteria: ACMG Guidelines, 2015. Collection method: clinical testing. Allele origin: germline.

NM_013437.5(LRP12):c.2515G>A (p.Asp839Asn)

Gene: LRP12 (LDL receptor related protein 12; minus strand). Cytogenetic location: 8q22.3.
Variant type: single nucleotide variant.
Coding change: c.2515G>A on transcript NM_013437.5 (MANE Select); coding-DNA position 2515, G replaced by A.
Protein change: p.Asp839Asn; replaces aspartic acid 839 with asparagine.
Molecular consequence: missense variant.
Genome position (GRCh38, 1-based): chr8:104,490,738, C>T on the plus strand (G>A on the coding strand, the complement: LRP12 is on the minus strand). VCF-style: chr8-104490738-C-T. GRCh37 (hg19) VCF-style: chr8-105502966-C-T.
Other names: c.2458G>A, p.Asp820Asn (NM_001135703.3); short protein forms D820N, D839N.
Identifiers: ClinVar variation 2658740 (VCV002658740.25), dbSNP rs150116835, ClinGen allele CA4838709.